The following is an entry in ClinVar:

NM_001369369.1(FOXN1):c.1855G>C (p.Ala619Pro)

Gene: FOXN1 (forkhead box N1; plus strand). Cytogenetic location: 17q11.2.
Variant type: single nucleotide variant.
Coding change: c.1855G>C on transcript NM_001369369.1 (MANE Select); coding-DNA position 1855, G replaced by C.
Protein change: p.Ala619Pro; replaces alanine 619 with proline.
Molecular consequence: missense variant.
Genome position (GRCh38, 1-based): chr17:28,537,344, G>C. VCF-style: chr17-28537344-G-C. GRCh37 (hg19) VCF-style: chr17-26864362-G-C.
Other names: c.1855G>C, p.Ala619Pro (NM_003593.3); short protein forms A619P.
Identifiers: ClinVar variation 1026952 (VCV001026952.14), dbSNP rs141857607, ClinGen allele CA8459642.

ClinVar aggregate classification (germline): Uncertain significance. Review status: criteria provided, multiple submitters, no conflicts (2 of 4 stars). 4 submissions from 4 submitters: Uncertain significance (3). 1 of the submissions does not count toward it. Last evaluated 2025-12-16.

Conditions:
FOXN1-related disorder. Also called: FOXN1-related condition.
T-cell immunodeficiency, congenital alopecia, and nail dystrophy. Also called: Congenital alopecia and nail dystrophy associated with severe functional T-cell immunodeficiency; Pignata Guarino syndrome. Identifiers: Orphanet 169095, MedGen C1866426, MONDO:0011132, OMIM 601705.
T-cell lymphopenia, infantile, with or without nail dystrophy, autosomal dominant. Identifiers: Orphanet 676039, MedGen C5394133, MONDO:0032928, OMIM 618806.

Allele frequency attached by ClinVar (database versions not stated): ExAC 0.00001; gnomAD 0.00001; gnomAD exomes 0.00001 and 0.00004; TOPMed 0.00003; ESP Exome Variant Server 0.00023.
gnomAD v4.1: 62 of 1,613,226 alleles (0.0038%); highest among the groups gnomAD compares: Non-Finnish European, 0.0048%; no homozygotes.

Submissions (4):

Labcorp Genetics (formerly Invitae), Labcorp
Classification: Uncertain significance for T-cell immunodeficiency, congenital alopecia, and nail dystrophy. Last evaluated: 2025-12-16. Review status: criteria provided, single submitter. Criteria: Invitae Variant Classification Sherloc (09022015). Collection method: clinical testing. Allele origin: germline.
Comment: This sequence change replaces alanine, which is neutral and non-polar, with proline, which is neutral and non-polar, at codon 619 of the FOXN1 protein (p.Ala619Pro). This variant is present in population databases (rs141857607, gnomAD 0.002%). This variant has not been reported in the literature in individuals affected with FOXN1-related conditions. ClinVar contains an entry for this variant (Variation ID: 1026952). Invitae Evidence Modeling of protein sequence and biophysical properties (such as structural, functional, and spatial information, amino acid conservation, physicochemical variation, residue mobility, and thermodynamic stability) indicates that this missense variant is not expected to disrupt FOXN1 protein function with a negative predictive value of 80%. In summary, the available evidence is currently insufficient to determine the role of this variant in disease. Therefore, it has been classified as a Variant of Uncertain Significance.

CeGaT Center for Human Genetics Tuebingen
Classification: Uncertain significance. Last evaluated: 2025-03-01. Review status: criteria provided, single submitter. Criteria: CeGaT Center For Human Genetics Tuebingen Variant Classification Criteria Version 2. Collection method: clinical testing. Allele origin: germline. Affected: yes. Observed: 1 variant allele.
Comment: FOXN1: PM2, PP3

Fulgent Genetics
Classification: Uncertain significance for T-cell immunodeficiency, congenital alopecia, and nail dystrophy; T-cell lymphopenia, infantile, with or without nail dystrophy, autosomal dominant. Last evaluated: 2021-08-13. Review status: criteria provided, single submitter. Criteria: ACMG Guidelines, 2015. Collection method: clinical testing. Allele origin: unknown.

PreventionGenetics, part of Exact Sciences
Classification: Uncertain significance for FOXN1-related condition. Last evaluated: 2023-12-12. Review status: no assertion criteria provided. Collection method: clinical testing. Allele origin: germline. Not counted in ClinVar's aggregate classification.
Comment: The FOXN1 c.1855G>C variant is predicted to result in the amino acid substitution p.Ala619Pro. To our knowledge, this variant has not been reported in the literature. This variant is reported in 0.0027% of alleles in individuals of European (Non-Finnish) descent in gnomAD. At this time, the clinical significance of this variant is uncertain due to the absence of conclusive functional and genetic evidence.